The following is an entry in ClinVar:

ClinVar aggregate classification (germline): Likely pathogenic (1 of 4 stars; one submission).

Conditions:
Hereditary cancer-predisposing syndrome. Also called: Tumor predisposition; Hereditary neoplastic syndrome; Hereditary Cancer Syndrome; Neoplastic Syndromes, Hereditary. Identifiers: Orphanet 140162, MedGen C0027672, MeSH D009386, MONDO:0015356.

Submission:

Ambry Genetics
Classification: Likely pathogenic for Hereditary cancer-predisposing syndrome. Last evaluated: 2023-09-26. Review status: criteria provided, single submitter. Criteria: Ambry Variant Classification Scheme 2023. Collection method: clinical testing. Allele origin: germline.
Comment: The p.M1? variant (also known as c.3G>A) is located in coding exon 1 of the PRKAR1A gene and results from a G to A substitution at nucleotide position 3. This alters the methionine residue at the initiation codon (ATG). This variant is considered to be rare based on population cohorts in the Genome Aggregation Database (gnomAD). This amino acid position is well conserved in available vertebrate species. Sequence variations that modify the initiation codon are expected to result in either loss of translation initiation, N-terminal truncation, or cause a shift in the mRNA reading frame. Based on the supporting evidence, this alteration is likely pathogenic for Carney complex; however, the association of this alteration with acrodysostosis is unknown.

NM_002734.5(PRKAR1A):c.3G>A (p.Met1Ile)

Gene: PRKAR1A (protein kinase cAMP-dependent type I regulatory subunit alpha; plus strand). Cytogenetic location: 17q24.2.
Variant type: single nucleotide variant.
Coding change: c.3G>A on transcript NM_002734.5 (MANE Select); coding-DNA position 3, G replaced by A.
Protein change: p.Met1Ile; changes the start codon (methionine 1).
Molecular consequence: missense variant, initiator codon variant.
Genome position (GRCh38, 1-based): chr17:68,515,402, G>A. VCF-style: chr17-68515402-G-A. GRCh37 (hg19) VCF-style: chr17-66511543-G-A.
Other names: c.3G>A, p.Met1Ile (NM_001276289.2, NM_001276290.1, NM_001278433.2 and 4 more transcripts); short protein forms M1I.
Identifiers: ClinVar variation 3222769 (VCV003222769.1), dbSNP rs2509357138, ClinGen allele CA400751757.